The following is an entry in ClinVar:

ClinVar aggregate classification (germline): Uncertain significance. Review status: criteria provided, multiple submitters, no conflicts (2 of 4 stars). 2 submissions from 2 submitters: Uncertain significance (2). Last evaluated 2024-03-19.

Conditions:
Inborn genetic diseases. Identifiers: MedGen C0950123, MeSH D030342.

Allele frequency attached by ClinVar (database versions not stated): gnomAD exomes 0.00001 and 0.00003; gnomAD 0.00001; TOPMed 0.00001; ExAC 0.00004.
gnomAD v4.1: 12 of 1,608,636 alleles (0.00075%); highest among the groups gnomAD compares: East Asian, 0.022%; no homozygotes.

Submissions (2):

Ambry Genetics
Classification: Uncertain significance for Inborn genetic diseases. Last evaluated: 2024-03-19. Review status: criteria provided, single submitter. Criteria: Ambry Variant Classification Scheme 2023. Collection method: clinical testing. Allele origin: germline.

Labcorp Genetics (formerly Invitae), Labcorp
Classification: Uncertain significance. Last evaluated: 2021-11-23. Review status: criteria provided, single submitter. Criteria: Invitae Variant Classification Sherloc (09022015). Collection method: clinical testing. Allele origin: germline.
Comment: In summary, the available evidence is currently insufficient to determine the role of this variant in disease. Therefore, it has been classified as a Variant of Uncertain Significance. Algorithms developed to predict the effect of missense changes on protein structure and function are either unavailable or do not agree on the potential impact of this missense change (SIFT: "Deleterious"; PolyPhen-2: "Probably Damaging"; Align-GVGD: "Class C0"). This variant has not been reported in the literature in individuals affected with PRDM13-related conditions. This variant is present in population databases (rs747506518, gnomAD 0.04%). This sequence change replaces leucine, which is neutral and non-polar, with arginine, which is basic and polar, at codon 541 of the PRDM13 protein (p.Leu541Arg).

NM_021620.4(PRDM13):c.1622T>G (p.Leu541Arg)

Gene: PRDM13 (PR/SET domain 13; plus strand). Cytogenetic location: 6q16.2.
Variant type: single nucleotide variant.
Coding change: c.1622T>G on transcript NM_021620.4 (MANE Select); coding-DNA position 1622, T replaced by G.
Protein change: p.Leu541Arg; replaces leucine 541 with arginine.
Molecular consequence: missense variant.
Genome position (GRCh38, 1-based): chr6:99,614,257, T>G. VCF-style: chr6-99614257-T-G. GRCh37 (hg19) VCF-style: chr6-100062133-T-G.
Other names: c.1622T>G (NM_021620.3); short protein forms L541R.
Identifiers: ClinVar variation 1481094 (VCV001481094.7), dbSNP rs747506518, ClinGen allele CA3936419.